The following is an entry in ClinVar:

NM_005881.4(BCKDK):c.1202G>A (p.Arg401His)

Gene: BCKDK (branched chain keto acid dehydrogenase kinase; plus strand). Cytogenetic location: 16p11.2.
Variant type: single nucleotide variant.
Coding change: c.1202G>A on transcript NM_005881.4 (MANE Select); coding-DNA position 1202, G replaced by A.
Protein change: p.Arg401His; replaces arginine 401 with histidine.
Molecular consequence: missense variant. On other transcripts: 3 prime UTR variant (2).
Genome position (GRCh38, 1-based): chr16:31,112,228, G>A. VCF-style: chr16-31112228-G-A. GRCh37 (hg19) VCF-style: chr16-31123549-G-A.
Other names: c.*197G>A (NM_001122957.4, NM_001271926.3); short protein forms R401H.
Identifiers: ClinVar variation 2090266 (VCV002090266.4), dbSNP rs1162395537, ClinGen allele CA395662244.

ClinVar aggregate classification (germline): Uncertain significance (1 of 4 stars; one submission).

Conditions:
Branched-chain keto acid dehydrogenase kinase deficiency (BCKDKD). Also called: BCKDK DEFICIENCY. Identifiers: Orphanet 308410, MedGen C3554078, MONDO:0013970, OMIM 614923.

Allele frequency attached by ClinVar (database versions not stated): gnomAD exomes below 0.00001; TOPMed 0.00001.

Submission:

Labcorp Genetics (formerly Invitae), Labcorp
Classification: Uncertain significance for Branched-chain keto acid dehydrogenase kinase deficiency. Last evaluated: 2024-11-05. Review status: criteria provided, single submitter. Criteria: Invitae Variant Classification Sherloc (09022015). Collection method: clinical testing. Allele origin: germline.
Comment: This sequence change replaces arginine, which is basic and polar, with histidine, which is basic and polar, at codon 401 of the BCKDK protein (p.Arg401His). The frequency data for this variant in the population databases is considered unreliable, as metrics indicate poor data quality at this position in the gnomAD database. This variant has not been reported in the literature in individuals affected with BCKDK-related conditions. ClinVar contains an entry for this variant (Variation ID: 2090266). Invitae Evidence Modeling of protein sequence and biophysical properties (such as structural, functional, and spatial information, amino acid conservation, physicochemical variation, residue mobility, and thermodynamic stability) indicates that this missense variant is not expected to disrupt BCKDK protein function with a negative predictive value of 80%. In summary, the available evidence is currently insufficient to determine the role of this variant in disease. Therefore, it has been classified as a Variant of Uncertain Significance.